The following is an entry in ClinVar:

ClinVar aggregate classification (germline): Uncertain significance. Review status: criteria provided, multiple submitters, no conflicts (2 of 4 stars). 2 submissions from 2 submitters: Uncertain significance (2). Last evaluated 2025-07-07.

Conditions:
Hereditary cancer-predisposing syndrome. Also called: Neoplastic Syndromes, Hereditary; Hereditary Cancer Syndrome; Tumor predisposition; Hereditary neoplastic syndrome. Identifiers: Orphanet 140162, MedGen C0027672, MeSH D009386, MONDO:0015356.

Submissions (2):

Ambry Genetics
Classification: Uncertain significance for Hereditary cancer-predisposing syndrome. Last evaluated: 2025-07-07. Review status: criteria provided, single submitter. Criteria: Ambry Variant Classification Scheme 2023. Collection method: clinical testing. Allele origin: germline.
Comment: The p.V181I variant (also known as c.541G>A), located in coding exon 4 of the FH gene, results from a G to A substitution at nucleotide position 541. The valine at codon 181 is replaced by isoleucine, an amino acid with highly similar properties. This amino acid position is highly conserved in available vertebrate species. In addition, this alteration is predicted to be deleterious by in silico analysis. Based on the available evidence, the clinical significance of this variant remains unclear.

Labcorp Genetics (formerly Invitae), Labcorp
Classification: Uncertain significance. Last evaluated: 2022-04-21. Review status: criteria provided, single submitter. Criteria: Invitae Variant Classification Sherloc (09022015). Collection method: clinical testing. Allele origin: germline.
Comment: In summary, the available evidence is currently insufficient to determine the role of this variant in disease. Therefore, it has been classified as a Variant of Uncertain Significance. Advanced modeling of protein sequence and biophysical properties (such as structural, functional, and spatial information, amino acid conservation, physicochemical variation, residue mobility, and thermodynamic stability) performed at Invitae indicates that this missense variant is expected to disrupt FH protein function. This variant has not been reported in the literature in individuals affected with FH-related conditions. This variant is not present in population databases (gnomAD no frequency). This sequence change replaces valine, which is neutral and non-polar, with isoleucine, which is neutral and non-polar, at codon 181 of the FH protein (p.Val181Ile).

NM_000143.4(FH):c.541G>A (p.Val181Ile)

Gene: FH (fumarate hydratase; minus strand). Cytogenetic location: 1q43.
Variant type: single nucleotide variant.
Coding change: c.541G>A on transcript NM_000143.4 (MANE Select); coding-DNA position 541, G replaced by A.
Protein change: p.Val181Ile; replaces valine 181 with isoleucine.
Molecular consequence: missense variant.
Genome position (GRCh38, 1-based): chr1:241,511,981, C>T on the plus strand (G>A on the coding strand, the complement: FH is on the minus strand). VCF-style: chr1-241511981-C-T. GRCh37 (hg19) VCF-style: chr1-241675281-C-T.
Other names: short protein forms V181I.
Identifiers: ClinVar variation 1915288 (VCV001915288.6), dbSNP rs2147921769, ClinGen allele CA345439872.